The following is an entry in ClinVar:

ClinVar aggregate classification (germline): Pathogenic (1 of 4 stars; one submission).

Submission:

Labcorp Genetics (formerly Invitae), Labcorp
Classification: Pathogenic. Last evaluated: 2022-08-08. Review status: criteria provided, single submitter. Criteria: Invitae Variant Classification Sherloc (09022015). Collection method: clinical testing. Allele origin: germline.
Comment: This sequence change creates a premature translational stop signal (p.Val849Metfs*51) in the ABCA4 gene. It is expected to result in an absent or disrupted protein product. Loss-of-function variants in ABCA4 are known to be pathogenic (PMID: 10958761, 24938718, 25312043, 26780318). This variant is not present in population databases (gnomAD no frequency). This variant has not been reported in the literature in individuals affected with ABCA4-related conditions. ClinVar contains an entry for this variant (Variation ID: 1456586). For these reasons, this variant has been classified as Pathogenic.

Literature cited by the submitters: PubMed 10958761; PubMed 24938718; PubMed 25312043; PubMed 26780318.

NM_000350.3(ABCA4):c.2545_2548del (p.Val849fs)

Gene: ABCA4 (ATP binding cassette subfamily A member 4; minus strand). Cytogenetic location: 1p22.1.
Variant type: Deletion.
Coding change: c.2545_2548del on transcript NM_000350.3 (MANE Select); coding-DNA positions 2545 to 2548, 4 bases deleted (GTCT; older notation c.2545_2548delGTCT).
Protein change: p.Val849fs; shifts the reading frame from valine 849.
Molecular consequence: frameshift variant.
Genome position (GRCh38, 1-based): chr1:94,055,150-94,055,153, AGAC deleted on the plus strand (GTCT on the coding strand, the reverse complement: ABCA4 is on the minus strand); deleting any 4 consecutive bases within chr1:94,055,150-94,055,155 gives the same sequence; the c. name uses the placement nearest the transcript's 3' end. VCF-style (leftmost placement, unchanged base first): chr1-94055149-TAGAC-T. GRCh37 (hg19) VCF-style: chr1-94520705-TAGAC-T.
Other names: c.2321_2324delCTGT, p.Val775Metfs (NM_001425324.1); short protein forms V849fs.
Identifiers: ClinVar variation 1456586 (VCV001456586.6), dbSNP rs2101067647, ClinGen allele CA2573132687.